The following is an entry in ClinVar:

ClinVar aggregate classification (germline): Uncertain significance (1 of 4 stars; one submission).

Conditions:
Hereditary spastic paraplegia 72 (SPG72A). Also called: Spastic paraplegia 72, autosomal recessive. Identifiers: Orphanet 401849, MedGen C5882669, MONDO:0014282, OMIM 615625.

Submission:

Labcorp Genetics (formerly Invitae), Labcorp
Classification: Uncertain significance for Hereditary spastic paraplegia 72. Last evaluated: 2022-02-10. Review status: criteria provided, single submitter. Criteria: Invitae Variant Classification Sherloc (09022015). Collection method: clinical testing. Allele origin: germline.
Comment: In summary, the available evidence is currently insufficient to determine the role of this variant in disease. Therefore, it has been classified as a Variant of Uncertain Significance. Algorithms developed to predict the effect of sequence changes on RNA splicing suggest that this variant may create or strengthen a splice site. This variant has not been reported in the literature in individuals affected with REEP2-related conditions. This variant is not present in population databases (gnomAD no frequency). This variant, c.393_416dup, results in the insertion of 8 amino acid(s) of the REEP2 protein (p.Asn131_Ala138dup), but otherwise preserves the integrity of the reading frame.

NM_001271803.2(REEP2):c.393_416dup (p.Ala138_Lys139insAsnAlaAlaValThrAlaAlaAla)

Gene: REEP2 (receptor accessory protein 2; plus strand). Cytogenetic location: 5q31.2.
Variant type: Duplication.
Coding change: c.393_416dup on transcript NM_001271803.2 (MANE Select); coding-DNA positions 393 to 416, 24 bases duplicated (TGCTGCAGTCACAGCTGCCGCCAA).
Protein change: p.Ala138_Lys139insAsnAlaAlaValThrAlaAlaAla.
Molecular consequence: inframe insertion. On other transcripts: non-coding transcript variant (2).
Genome position (GRCh38, 1-based): chr5:138,444,843-138,444,866, TGCTGCAGTCACAGCTGCCGCCAA duplicated; duplicating any 24 consecutive bases within chr5:138,444,834-138,444,866 gives the same sequence; the c. name uses the placement nearest the transcript's 3' end. VCF-style (leftmost placement, unchanged base first): chr5-138444833-T-TTGCCGCCAATGCTGCAGTCACAGC. GRCh37 (hg19) VCF-style: chr5-137780522-T-TTGCCGCCAATGCTGCAGTCACAGC.
Other names: c.393_416dup, p.Ala138_Lys139insAsnAlaAlaValThrAlaAlaAla (NM_016606.4).
Identifiers: ClinVar variation 2096268 (VCV002096268.4), dbSNP rs2480380907, ClinGen allele CA2580072828.